The following is an entry in ClinVar:

ClinVar aggregate classification (germline): Conflicting classifications of pathogenicity. Review status: criteria provided, conflicting classifications (1 of 4 stars). 3 submissions from 3 submitters: Uncertain significance (2); Likely benign (1). Last evaluated 2024-05-31.

Conditions:
Hereditary nonpolyposis colorectal neoplasms. Identifiers: MedGen C0009405, MeSH D003123.
Hereditary cancer-predisposing syndrome. Also called: Neoplastic Syndromes, Hereditary; Tumor predisposition; Hereditary Cancer Syndrome; Hereditary neoplastic syndrome. Identifiers: Orphanet 140162, MedGen C0027672, MeSH D009386, MONDO:0015356.

Allele frequency attached by ClinVar (database versions not stated): gnomAD exomes below 0.00001.
gnomAD v4.1: 1 of 1,609,838 alleles (0.000062%); highest among the groups gnomAD compares: Non-Finnish European, 0.000085%; no homozygotes.

Submissions (3):

Labcorp Genetics (formerly Invitae), Labcorp
Classification: Uncertain significance for Hereditary nonpolyposis colorectal neoplasms. Last evaluated: 2024-05-31. Review status: criteria provided, single submitter. Criteria: Invitae Variant Classification Sherloc (09022015). Collection method: clinical testing. Allele origin: germline.
Comment: This sequence change replaces glycine, which is neutral and non-polar, with serine, which is neutral and polar, at codon 211 of the MSH6 protein (p.Gly211Ser). This variant is not present in population databases (gnomAD no frequency). This variant has not been reported in the literature in individuals affected with MSH6-related conditions. ClinVar contains an entry for this variant (Variation ID: 188216). Advanced modeling of protein sequence and biophysical properties (such as structural, functional, and spatial information, amino acid conservation, physicochemical variation, residue mobility, and thermodynamic stability) performed at Invitae indicates that this missense variant is not expected to disrupt MSH6 protein function with a negative predictive value of 95%. In summary, the available evidence is currently insufficient to determine the role of this variant in disease. Therefore, it has been classified as a Variant of Uncertain Significance.

GeneDx
Classification: Uncertain significance. Last evaluated: 2024-02-12. Review status: criteria provided, single submitter. Criteria: GeneDx Variant Classification Process June 2021. Collection method: clinical testing. Allele origin: germline. Affected: yes.
Comment: Not observed at significant frequency in large population cohorts (gnomAD); In silico analysis supports that this missense variant does not alter protein structure/function; Has not been previously published as pathogenic or benign to our knowledge; This variant is associated with the following publications: (PMID: 21437237)

Ambry Genetics
Classification: Likely benign for Hereditary cancer-predisposing syndrome. Last evaluated: 2015-01-16. Review status: criteria provided, single submitter. Criteria: Ambry Variant Classification Scheme 2023. Collection method: clinical testing. Allele origin: germline.

NM_000179.3(MSH6):c.631G>A (p.Gly211Ser)

Gene: MSH6 (mutS homolog 6; plus strand). Cytogenetic location: 2p16.3.
Variant type: single nucleotide variant.
Coding change: c.631G>A on transcript NM_000179.3 (MANE Select); coding-DNA position 631, G replaced by A.
Protein change: p.Gly211Ser; replaces glycine 211 with serine.
Molecular consequence: missense variant. On other transcripts: 5 prime UTR variant (8), non-coding transcript variant (4), intron variant (1), splice acceptor variant (1).
Genome position (GRCh38, 1-based): chr2:47,798,614, G>A. VCF-style: chr2-47798614-G-A. GRCh37 (hg19) VCF-style: chr2-48025753-G-A.
Other names: c.241G>A, p.Gly81Ser (NM_001281492.2); c.-276G>A (NM_001281493.2, NM_001406811.1, NM_001406812.1 and 5 more transcripts); c.727G>A, p.Gly243Ser (NM_001406795.1, NM_001406802.1); c.631G>A, p.Gly211Ser (NM_001406796.1, NM_001406798.1, NM_001406800.1 and 4 more transcripts); c.334G>A, p.Gly112Ser (NM_001406797.1, NM_001406801.1, NM_001406805.1 and 10 more transcripts); c.106G>A, p.Gly36Ser (NM_001406799.1, NM_001406806.1, NM_001406807.1); c.553G>A, p.Gly185Ser (NM_001406804.1); c.637G>A, p.Gly213Ser (NM_001406813.1); and 3 more; short protein forms G211S, G81S, G112S, G155S, G185S, G213S, G243S, G36S.
Identifiers: ClinVar variation 188216 (VCV000188216.15), dbSNP rs786204153, ClinGen allele CA016062.
Genomic context (GRCh38, chr2:47,798,614, plus strand): 5'-ACATTATGGTTTTCCAAATTTTGATTTGTTTTTAAATACTCTTTCCTTGCCTGGCAGGTA[G>A]GCACAACTTACGTAACAGATAAGAGTGAAGAAGATAATGAAATTGAGAGTGAAGAGGAAG-3'
Protein context (NP_000170.1, residues 201-221): EPEEEEEMEV[Gly211Ser]TTYVTDKSEE